The following is an entry in ClinVar:

NM_000252.3(MTM1):c.1210G>A (p.Glu404Lys)

Gene: MTM1 (myotubularin 1; plus strand). Cytogenetic location: Xq28.
Variant type: single nucleotide variant.
Coding change: c.1210G>A on transcript NM_000252.3 (MANE Select); coding-DNA position 1210, G replaced by A.
Protein change: p.Glu404Lys; replaces glutamic acid 404 with lysine.
Molecular consequence: missense variant.
Genome position (GRCh38, 1-based): chrX:150,657,977, G>A. VCF-style: chrX-150657977-G-A. GRCh37 (hg19) VCF-style: chrX-149826450-G-A.
Other names: NM_000252.3(MTM1):c.1210G>A; p.Glu404Lys; c.1210G>A, p.Glu404Lys (NM_001376906.1, NM_001376908.1); c.1099G>A, p.Glu367Lys (NM_001376907.1); short protein forms E404K, E367K.
Identifiers: ClinVar variation 530855 (VCV000530855.13), dbSNP rs781933660, ClinGen allele CA10539219.

ClinVar aggregate classification (germline): Pathogenic. Review status: reviewed by expert panel (3 of 4 stars). 6 submissions from 6 submitters: Pathogenic (1). 5 of the submissions do not count toward it. Last evaluated 2025-02-20.

Conditions:
Centronuclear myopathy (CNM). Also called: Centronuclear myopathy, congenital; Myotubular myopathy. Identifiers: Orphanet 595, MedGen C0175709, MONDO:0018947. Inheritance: All.
Severe X-linked myotubular myopathy (CNMX). Also called: MYOTUBULAR MYOPATHY 1; Myotubular myopathy, X-linked; X-linked centronuclear myopathy. Identifiers: Orphanet 596, MedGen C0410203, MONDO:0010683, OMIM 310400.
Qualitative or quantitative defects of myotubularin. Identifiers: Orphanet 207110, MedGen C5680828, MONDO:0016154.

Allele frequency attached by ClinVar (database versions not stated): ExAC below 0.00001.

Submissions (6):

ClinGen Congenital Myopathies Variant Curation Expert Panel, ClinGen
Classification: Pathogenic for Centronuclear myopathy. Last evaluated: 2025-02-20. Review status: reviewed by expert panel. Criteria: ClinGen CongenMyopathy ACMG Specifications MTM1 V1.0.0. Collection method: curation. Allele origin: germline. Inheritance: X-linked inheritance.
Comment: The NM_000252.3(MTM1):c.1210G>A variant in MTM1 is a missense variant predicted to cause substitution of glutamic acid by lysine at amino acid 404 (p.Glu404Lys). This variant has been reported in 10 probands meeting X-linked centronuclear myopathy (PS4_VeryStrong; PMIDs: 19084976, 33164942, 25957634, 9285787, 38544359, 38259611, 12467749, 30902907, 17005396). At least one patient with this variant displayed muscle biopsy with rounded muscle fibers with a single centrally located nucleus surrounded by a halo devoid of contractile elements, but containing mitochondria, which is highly specific for X-linked centronuclear myopathy (PP4; PMID: 17005396). The variant has been reported to segregate with disease in 4 affected individuals from 2 families (PP1; PMIDs: 17005396, 33164942). The variant is absent from gnomAD v.4.1.0 (PM2_Supporting). Immunofluorescence and western blot assays in COS cells (fibroblast-like cells derived from monkey kidney) showed unstable protein with aggregates in the cytoplasm and near the nucleus, probably in the Golgi, and very low myotubularin levels on western blot, indicating that this variant impacts protein function (PS3_Supporting; PMID: 12118066). The computational predictor REVEL gives a score of 0.759, which is above the threshold of 0.7 evidence that correlates with impact to MTM1 function (PP3). In summary, this variant meets the criteria to be classified as pathogenic for X-linked centronuclear myopathy based on the ACMG/AMP criteria applied, as specified by the ClinGen Congenital Myopathies VCEP: PS4_VeryStrong, PS3_Supporting, PM2_Supporting, PP1, PP3, PP4 (ClinGen Congenital Myopathies VCEP specifications version 1.0.0; 2/20/2025).

GeneDx
Classification: Pathogenic. Last evaluated: 2024-09-16. Review status: criteria provided, single submitter. Criteria: GeneDx Variant Classification Process June 2021. Collection method: clinical testing. Allele origin: germline. Affected: yes. Not counted in ClinVar's aggregate classification.
Comment: Published functional studies showed that cells transfected with E404K containing plasmid displayed cytoplasmic aggregates and abnormal localization of the protein to the Golgi apparatus, as well as reduced protein levels on Western blot compared to wild type construct (PMID: 12118066); Not observed at significant frequency in large population cohorts (gnomAD); In silico analysis supports that this missense variant has a deleterious effect on protein structure/function; This variant is associated with the following publications: (PMID: 10063835, 12467749, 30149909, 22496665, 19084976, 17005396, 25957634, 33164942, 34011573, 34463354, 38136996, 38259611, 12118066, 9285787)

3billion
Classification: Pathogenic for Severe X-linked myotubular myopathy. Last evaluated: 2024-07-30. Review status: criteria provided, single submitter. Criteria: ACMG Guidelines, 2015. Collection method: clinical testing. Allele origin: germline. Affected: yes. Not counted in ClinVar's aggregate classification.
Comment: The variant is not observed in the gnomAD v4.0.0 dataset. Functional studies provide supporting evidence of the variant having a damaging effect on the gene or gene product (PMID: 12118066). In silico tool predictions suggest damaging effect of the variant on gene or gene product [REVEL: 0.76 (>=0.6, sensitivity 0.68 and specificity 0.92); 3Cnet: 0.99 (>=0.6, sensitivity 0.72 and precision 0.9)]. The same nucleotide change resulting in the same amino acid change has been previously reported to be associated with MTM1-related disorder (ClinVar ID: VCV000530855 / PMID: 9285787). The variant has been observed in multiple (>3) similarly affected unrelated individuals (PMID: 12118066, 17005396, 19084976, 25957634, 9285787). A different missense change at the same codon (p.Glu404Asp) has been reported to be associated with MTM1-related disorder (ClinVar ID: VCV000841786). Therefore, this variant is classified as pathogenic according to the recommendation of ACMG/AMP guideline.

Labcorp Genetics (formerly Invitae), Labcorp
Classification: Pathogenic for Severe X-linked myotubular myopathy. Last evaluated: 2024-07-01. Review status: criteria provided, single submitter. Criteria: Invitae Variant Classification Sherloc (09022015). Collection method: clinical testing. Allele origin: germline. Not counted in ClinVar's aggregate classification.
Comment: This sequence change replaces glutamic acid, which is acidic and polar, with lysine, which is basic and polar, at codon 404 of the MTM1 protein (p.Glu404Lys). This variant is not present in population databases (gnomAD no frequency). This missense change has been observed in individuals with X-linked myotubular myopathy or centronuclear myopathy (PMID: 9285787, 12118066, 17005396, 19084976, 25957634). This variant is also known as c.1264G>A/ p.Glu404Lys. ClinVar contains an entry for this variant (Variation ID: 530855). Advanced modeling of protein sequence and biophysical properties (such as structural, functional, and spatial information, amino acid conservation, physicochemical variation, residue mobility, and thermodynamic stability) performed at Invitae indicates that this missense variant is expected to disrupt MTM1 protein function with a positive predictive value of 80%. Experimental studies have shown that this missense change affects MTM1 function (PMID: 12118066). For these reasons, this variant has been classified as Pathogenic.

Women's Health and Genetics/Laboratory Corporation of America, LabCorp
Classification: Pathogenic for Severe X-linked myotubular myopathy. Last evaluated: 2023-10-04. Review status: criteria provided, single submitter. Criteria: LabCorp Variant Classification Summary - May 2015. Collection method: clinical testing. Allele origin: germline. Not counted in ClinVar's aggregate classification.
Comment: Variant summary: MTM1 c.1210G>A (p.Glu404Lys) results in a conservative amino acid change in the encoded protein sequence. Three of five in-silico tools predict a benign effect of the variant on protein function. The variant was absent in 182729 control chromosomes (gnomAD). c.1210G>A has been reported in the literature in multiple individuals affected with X-Linked Myotubular Myopathy (de Gouyon_1997, Hoffjan_2006, Fattori_2015, Rinnenthal_2018, Gangfuss_2021, Reumers_2021). These data indicate that the variant is very likely to be associated with disease. At least one publication reports experimental evidence evaluating an impact on protein function and this variant produced unstable proteins (Laporte_2002). The following publications have been ascertained in the context of this evaluation (PMID: 25957634, 33164942, 17005396, 10790201, 12118066, 34463354, 34011573, 30149909, 10063835, 9285787). Three submitters have cited clinical-significance assessments for this variant to ClinVar after 2014 and classified this variant as uncertain significance, likely pathogenic and pathogenic. Based on the evidence outlined above, the variant was classified as pathogenic.

Broad Center for Mendelian Genomics, Broad Institute of MIT and Harvard
Classification: Likely pathogenic for Qualitative or quantitative defects of myotubularin. Last evaluated: 2023-01-25. Review status: criteria provided, single submitter. Criteria: ACMG Guidelines, 2015. Collection method: curation. Allele origin: germline. Inheritance: Autosomal recessive inheritance. Not counted in ClinVar's aggregate classification.
Comment: The p.Glu404Lys variant in MTM1 has been reported in six hemizygous individuals with X-linked myotubular myopathy 1 (PMID: 33164942, PMID: 9285787, PMID: 25957634, PMID: 17005396, PMID: 19084976, PMID: 34463354) and segregated with disease in four affected relatives from two families (PMID: 34463354, PMID: 17005396). The number of reported affected individuals with this variant is greater than expected compared to non-affected individuals with this variant. This variant has also been reported in ClinVar (Variation ID: 530855) and has been interpreted as pathogenic by Invitae. This variant was absent from large population studies. Computational prediction tools and conservation analyses suggest that this variant may impact the protein, though this information is not predictive enough to determine pathogenicity. In summary, although additional studies are required to fully establish its clinical significance, this variant is likely pathogenic for X-linked myotubular myopathy 1. ACMG/AMP Criteria applied: PS4, PM2_Supporting, PP3 (Richards 2015).

Literature cited by the submitters: PubMed 9285787 (cited by Labcorp Genetics (formerly Invitae), Labcorp and Women's Health and Genetics/Laboratory Corporation of America, LabCorp); PubMed 12118066 (cited by Labcorp Genetics (formerly Invitae), Labcorp and Women's Health and Genetics/Laboratory Corporation of America, LabCorp); PubMed 17005396 (cited by Labcorp Genetics (formerly Invitae), Labcorp and Women's Health and Genetics/Laboratory Corporation of America, LabCorp); PubMed 19084976 (cited by Labcorp Genetics (formerly Invitae), Labcorp); PubMed 25957634 (cited by Labcorp Genetics (formerly Invitae), Labcorp and Women's Health and Genetics/Laboratory Corporation of America, LabCorp); PubMed 10790201 (cited by Women's Health and Genetics/Laboratory Corporation of America, LabCorp); PubMed 34463354 (cited by Women's Health and Genetics/Laboratory Corporation of America, LabCorp); PubMed 34011573 (cited by Women's Health and Genetics/Laboratory Corporation of America, LabCorp); PubMed 33164942 (cited by Women's Health and Genetics/Laboratory Corporation of America, LabCorp); PubMed 30149909 (cited by Women's Health and Genetics/Laboratory Corporation of America, LabCorp); PubMed 10063835 (cited by Women's Health and Genetics/Laboratory Corporation of America, LabCorp).